The following is an entry in ClinVar:

NM_005334.3(HCFC1):c.1285G>A (p.Ala429Thr)

Gene: HCFC1 (host cell factor C1; minus strand). Cytogenetic location: Xq28.
Variant type: single nucleotide variant.
Coding change: c.1285G>A on transcript NM_005334.3 (MANE Select); coding-DNA position 1285, G replaced by A.
Protein change: p.Ala429Thr; replaces alanine 429 with threonine.
Molecular consequence: missense variant.
Genome position (GRCh38, 1-based): chrX:153,959,961, C>T on the plus strand (G>A on the coding strand, the complement: HCFC1 is on the minus strand). VCF-style: chrX-153959961-C-T. GRCh37 (hg19) VCF-style: chrX-153225412-C-T.
Other names: c.1285G>A, p.Ala429Thr (NM_001410705.1); short protein forms A429T.
Identifiers: ClinVar variation 3343919 (VCV003343919.1).

ClinVar aggregate classification (germline): Uncertain significance (1 of 4 stars; one submission).

Submission:

GeneDx
Classification: Uncertain significance. Last evaluated: 2024-02-29. Review status: criteria provided, single submitter. Criteria: GeneDx Variant Classification Process June 2021. Collection method: clinical testing. Allele origin: germline. Affected: yes.
Comment: Not observed at significant frequency in large population cohorts (gnomAD); In silico analysis supports that this missense variant does not alter protein structure/function; Has not been previously published as pathogenic or benign to our knowledge